The following is an entry in ClinVar:

ClinVar aggregate classification (germline): Benign (1 of 4 stars; one submission).

Allele frequency attached by ClinVar (database versions not stated): gnomAD 0.03865 and 0.04026; TOPMed 0.04119; 1000 Genomes Project 30x 0.04731; 1000 Genomes Project 0.04812.
gnomAD v4.1: 6,107 of 151,842 alleles (4%); highest among the groups gnomAD compares: Middle Eastern, 11%; 135 homozygotes.

Submission:

GeneDx
Classification: Benign. Last evaluated: 2018-06-14. Review status: criteria provided, single submitter. Criteria: GeneDx Variant Classification (06012015). Collection method: clinical testing. Allele origin: germline. Affected: yes.
Comment: This variant is considered likely benign or benign based on one or more of the following criteria: it is a conservative change, it occurs at a poorly conserved position in the protein, it is predicted to be benign by multiple in silico algorithms, and/or has population frequency not consistent with disease.

NM_001035.3(RYR2):c.14090+271G>A

Gene: RYR2 (ryanodine receptor 2; plus strand). Cytogenetic location: 1q43.
Variant type: single nucleotide variant.
Coding change: c.14090+271G>A on transcript NM_001035.3 (MANE Select); 271 bases into the intron after coding-DNA position 14090, G replaced by A.
Molecular consequence: intron variant.
Genome position (GRCh38, 1-based): chr1:237,798,441, G>A. VCF-style: chr1-237798441-G-A. GRCh37 (hg19) VCF-style: chr1-237961741-G-A.
Identifiers: ClinVar variation 669625 (VCV000669625.1), dbSNP rs138816044, ClinGen allele CA39838366.
Genomic context (GRCh38, chr1:237,798,441, plus strand): 5'-ACCTTTTAATATTTATAAGAGAACAGAAAGACTATGTTTTTTACTTAATTTGCCTTTTCT[G>A]TCTTTAAATGATCCTTAAATCTAAGTAAAACACATGCAAAAACTCAATATATGGCTGTTT-3'